The following is an entry in ClinVar:

ClinVar aggregate classification (germline): Uncertain significance (1 of 4 stars; one submission).

Conditions:
Spermatogenic failure 18. Identifiers: MedGen C4539783, MONDO:0054615, OMIM 617576.
Ciliary dyskinesia, primary, 37 (CILD37). Also called: CILIARY DYSKINESIA, PRIMARY, 37, WITH OR WITHOUT SITUS INVERSUS. Identifiers: MedGen C4539798, MONDO:0033204, OMIM 617577.

Submission:

Labcorp Genetics (formerly Invitae), Labcorp
Classification: Uncertain significance for Ciliary dyskinesia, primary, 37; Spermatogenic failure 18. Last evaluated: 2024-03-07. Review status: criteria provided, single submitter. Criteria: Invitae Variant Classification Sherloc (09022015). Collection method: clinical testing. Allele origin: germline.
Comment: This variant, c.11020_11022del, results in the deletion of 1 amino acid(s) of the DNAH1 protein (p.Ile3674del), but otherwise preserves the integrity of the reading frame. This variant is not present in population databases (gnomAD no frequency). This variant has not been reported in the literature in individuals affected with DNAH1-related conditions. Experimental studies and prediction algorithms are not available or were not evaluated, and the functional significance of this variant is currently unknown. In summary, the available evidence is currently insufficient to determine the role of this variant in disease. Therefore, it has been classified as a Variant of Uncertain Significance.

NM_015512.5(DNAH1):c.11020_11022del (p.Ile3674del)

Gene: DNAH1 (dynein axonemal heavy chain 1; plus strand). Cytogenetic location: 3p21.1.
Variant type: Deletion.
Coding change: c.11020_11022del on transcript NM_015512.5 (MANE Select); coding-DNA positions 11020 to 11022, 3 bases deleted (ATC; older notation c.11020_11022delATC).
Protein change: p.Ile3674del; deletes isoleucine 3674.
Molecular consequence: inframe deletion.
Genome position (GRCh38, 1-based): chr3:52,395,359-52,395,361, ATC deleted; deleting any 3 consecutive bases within chr3:52,395,357-52,395,361 gives the same sequence; the c. name uses the placement nearest the transcript's 3' end. VCF-style (leftmost placement, unchanged base first): chr3-52395356-CTCA-C. GRCh37 (hg19) VCF-style: chr3-52429372-CTCA-C.
Other names: short protein forms I3674del.
Identifiers: ClinVar variation 3755173 (VCV003755173.2).